The following is an entry in ClinVar:

NM_003301.7(TRHR):c.561C>G (p.Tyr187Ter)

Gene: TRHR (thyrotropin releasing hormone receptor; plus strand). Cytogenetic location: 8q23.1.
Variant type: single nucleotide variant.
Coding change: c.561C>G on transcript NM_003301.7 (MANE Select); coding-DNA position 561, C replaced by G.
Protein change: p.Tyr187Ter; replaces tyrosine 187 with a stop codon.
Molecular consequence: nonsense.
Genome position (GRCh38, 1-based): chr8:109,088,073, C>G. VCF-style: chr8-109088073-C-G. GRCh37 (hg19) VCF-style: chr8-110100302-C-G.
Other names: short protein forms Y187*.
Identifiers: ClinVar variation 4850672 (VCV004850672.1).

ClinVar aggregate classification (germline): Likely pathogenic (1 of 4 stars; one submission).

Conditions:
Hypothyroidism, congenital, nongoitrous, 7 (CHNG7). Also called: Resistance to thyrotropin-releasing hormone syndrome; Thyrotropin-releasing hormone resistance, generalized. Identifiers: Orphanet 99832, MedGen C1861106, MONDO:0032819, OMIM 618573.

Submission:

First Genomix Gene Laboratory, Genetic Diagnostics Department
Classification: Likely pathogenic for Hypothyroidism, congenital, nongoitrous, 7. Last evaluated: 2025-07-31. Review status: criteria provided, single submitter. Criteria: ACMG Guidelines, 2015. Collection method: clinical testing. Allele origin: germline. Inheritance: Autosomal recessive inheritance. Affected: no. Observed: 1 variant allele.